The following is an entry in ClinVar:

ClinVar aggregate classification (germline): Uncertain significance (1 of 4 stars; one submission).

Conditions:
Combined oxidative phosphorylation defect type 27. Also called: Combined oxidative phosphorylation deficiency 27. Identifiers: Orphanet 477774, MedGen C5567608, MONDO:0014728, OMIM 616672.

Submission:

Labcorp Genetics (formerly Invitae), Labcorp
Classification: Uncertain significance for Combined oxidative phosphorylation defect type 27. Last evaluated: 2020-11-11. Review status: criteria provided, single submitter. Criteria: Invitae Variant Classification Sherloc (09022015). Collection method: clinical testing. Allele origin: germline.
Comment: In summary, the available evidence is currently insufficient to determine the role of this variant in disease. Therefore, it has been classified as a Variant of Uncertain Significance. This sequence change creates a premature translational stop signal (p.Cys296*) in the CARS2 gene. It is expected to result in an absent or disrupted protein product. However, the current clinical and genetic evidence is not sufficient to establish whether loss-of-function variants in CARS2 cause disease. This variant is not present in population databases (ExAC no frequency). This variant has not been reported in the literature in individuals with CARS2-related conditions.

NM_024537.4(CARS2):c.888C>A (p.Cys296Ter)

Gene: CARS2 (cysteinyl-tRNA synthetase 2, mitochondrial; minus strand). Cytogenetic location: 13q34.
Variant type: single nucleotide variant.
Coding change: c.888C>A on transcript NM_024537.4 (MANE Select); coding-DNA position 888, C replaced by A.
Protein change: p.Cys296Ter; replaces cysteine 296 with a stop codon.
Molecular consequence: nonsense. On other transcripts: non-coding transcript variant (2).
Genome position (GRCh38, 1-based): chr13:110,667,371, G>T on the plus strand (C>A on the coding strand, the complement: CARS2 is on the minus strand). VCF-style: chr13-110667371-G-T. GRCh37 (hg19) VCF-style: chr13-111319718-G-T.
Other names: c.102C>A, p.Cys34Ter (NM_001352252.2); c.888C>A, p.Cys296Ter (NM_001352253.3); short protein forms C34*, C296*.
Identifiers: ClinVar variation 1467993 (VCV001467993.6), dbSNP rs780225759, ClinGen allele CA256333429.